The following is an entry in ClinVar:

ClinVar aggregate classification (germline): Uncertain significance (1 of 4 stars; one submission).

Conditions:
Epileptic encephalopathy. Identifiers: MedGen C0543888, HP:0200134.

Allele frequency attached by ClinVar (database versions not stated): ExAC 0.00004.
gnomAD v4.1: 9 of 1,567,224 alleles (0.00057%); highest among the groups gnomAD compares: African/African-American, 0.0054%; no homozygotes.

Submission:

Labcorp Genetics (formerly Invitae), Labcorp
Classification: Uncertain significance for Epileptic encephalopathy. Last evaluated: 2021-08-26. Review status: criteria provided, single submitter. Criteria: Invitae Variant Classification Sherloc (09022015). Collection method: clinical testing. Allele origin: germline.
Comment: This sequence change replaces glutamine with histidine at codon 1296 of the FASN protein (p.Gln1296His). The glutamine residue is moderately conserved and there is a small physicochemical difference between glutamine and histidine. This variant is present in population databases (rs778370442, ExAC 0.009%). This variant has not been reported in the literature in individuals affected with FASN-related conditions. ClinVar contains an entry for this variant (Variation ID: 462047). Algorithms developed to predict the effect of missense changes on protein structure and function are either unavailable or do not agree on the potential impact of this missense change (SIFT: "Deleterious"; PolyPhen-2: "Benign"; Align-GVGD: "Class C0"). In summary, the available evidence is currently insufficient to determine the role of this variant in disease. Therefore, it has been classified as a Variant of Uncertain Significance.

NM_004104.5(FASN):c.3888G>T (p.Gln1296His)

Gene: FASN (fatty acid synthase; minus strand). Cytogenetic location: 17q25.3.
Variant type: single nucleotide variant.
Coding change: c.3888G>T on transcript NM_004104.5 (MANE Select); coding-DNA position 3888, G replaced by T.
Protein change: p.Gln1296His; replaces glutamine 1296 with histidine.
Molecular consequence: missense variant.
Genome position (GRCh38, 1-based): chr17:82,085,716, C>A on the plus strand (G>T on the coding strand, the complement: FASN is on the minus strand). VCF-style: chr17-82085716-C-A. GRCh37 (hg19) VCF-style: chr17-80043592-C-A.
Other names: short protein forms Q1296H.
Identifiers: ClinVar variation 462047 (VCV000462047.8), dbSNP rs778370442, ClinGen allele CA8852252.